The following is an entry in ClinVar:

NM_182961.4(SYNE1):c.23681T>C (p.Met7894Thr)

Gene: SYNE1 (spectrin repeat containing nuclear envelope protein 1; minus strand). Cytogenetic location: 6q25.2.
Variant type: single nucleotide variant.
Coding change: c.23681T>C on transcript NM_182961.4 (MANE Select); coding-DNA position 23681, T replaced by C.
Protein change: p.Met7894Thr; replaces methionine 7894 with threonine.
Molecular consequence: missense variant.
Genome position (GRCh38, 1-based): chr6:152,164,272, A>G on the plus strand (T>C on the coding strand, the complement: SYNE1 is on the minus strand). VCF-style: chr6-152164272-A-G. GRCh37 (hg19) VCF-style: chr6-152485407-A-G.
Other names: c.287T>C, p.Met96Thr (NM_001347701.2); c.146T>C, p.Met49Thr (NM_001347702.2); c.23468T>C, p.Met7823Thr (NM_033071.5); short protein forms M7823T, M49T, M7894T, M96T.
Identifiers: ClinVar variation 1913806 (VCV001913806.5), dbSNP rs2063156393, ClinGen allele CA366088942.

ClinVar aggregate classification (germline): Uncertain significance (1 of 4 stars; one submission).

Conditions:
Emery-Dreifuss muscular dystrophy 4, autosomal dominant (EDMD4). Also called: EMERY-DREIFUSS MUSCULAR DYSTROPHY 4 WITH VARIABLE FEATURES. Identifiers: Orphanet 261, MedGen C2751807, MONDO:0013071, OMIM 612998.
Autosomal recessive ataxia, Beauce type. Also called: SYNE1-Related Autosomal Recessive Cerebellar Ataxia; SYNE1 Deficiency; Spinocerebellar ataxia, autosomal recessive 8; ATAXIA, RECESSIVE, OF BEAUCE. Identifiers: Orphanet 88644, MedGen C1853116, MONDO:0012549, OMIM 610743.

Allele frequency attached by ClinVar (database versions not stated): gnomAD exomes below 0.00001; TOPMed 0.00001.
gnomAD v4.1: 8 of 1,614,128 alleles (0.0005%); highest among the groups gnomAD compares: Admixed American, 0.0017%; no homozygotes.

Submission:

Labcorp Genetics (formerly Invitae), Labcorp
Classification: Uncertain significance for Emery-Dreifuss muscular dystrophy 4, autosomal dominant; Autosomal recessive ataxia, Beauce type. Last evaluated: 2022-10-13. Review status: criteria provided, single submitter. Criteria: Invitae Variant Classification Sherloc (09022015). Collection method: clinical testing. Allele origin: germline.
Comment: In summary, the available evidence is currently insufficient to determine the role of this variant in disease. Therefore, it has been classified as a Variant of Uncertain Significance. Algorithms developed to predict the effect of missense changes on protein structure and function are either unavailable or do not agree on the potential impact of this missense change (SIFT: "Deleterious"; PolyPhen-2: "Probably Damaging"; Align-GVGD: "Class C0"). This variant has not been reported in the literature in individuals affected with SYNE1-related conditions. This variant is not present in population databases (gnomAD no frequency). This sequence change replaces methionine, which is neutral and non-polar, with threonine, which is neutral and polar, at codon 7823 of the SYNE1 protein (p.Met7823Thr).